The following is an entry in ClinVar:

ClinVar aggregate classification (germline): Likely pathogenic. Review status: criteria provided, multiple submitters, no conflicts (2 of 4 stars). 2 submissions from 2 submitters: Likely pathogenic (2). Last evaluated 2025-06-03.

Conditions:
Dilated cardiomyopathy 1G (CMD1G). Identifiers: Orphanet 154, MedGen C1858763, MONDO:0011400, OMIM 604145.
Autosomal recessive limb-girdle muscular dystrophy type 2J (LGMDR10). Also called: Limb-girdle muscular dystrophy, type 2J; MUSCULAR DYSTROPHY, LIMB-GIRDLE, AUTOSOMAL RECESSIVE 10. Identifiers: Orphanet 140922, MedGen C1837342, MONDO:0012127, OMIM 608807.

Submissions (2):

GeneDx
Classification: Likely pathogenic. Last evaluated: 2025-06-03. Review status: criteria provided, single submitter. Criteria: GeneDx Variant Classification Process June 2021. Collection method: clinical testing. Allele origin: germline.
Comment: Has not been previously published as pathogenic or benign to our knowledge; Not observed at significant frequency in large population cohorts (gnomAD); Frameshift variant predicted to result in protein truncation or nonsense mediated decay in a gene for which loss of function is a known mechanism of disease; Located in the A-band, a region of TTN for which truncating variants are significantly associated with autosomal dominant cardiomyopathy and also with autosomal recessive skeletal myopathies (PMID: 22335739, 32778822); This variant is associated with the following publications: (PMID: 22335739, 32778822)

Labcorp Genetics (formerly Invitae), Labcorp
Classification: Likely pathogenic for Dilated cardiomyopathy 1G; Autosomal recessive limb-girdle muscular dystrophy type 2J. Last evaluated: 2024-08-08. Review status: criteria provided, single submitter. Criteria: Invitae Variant Classification Sherloc (09022015). Collection method: clinical testing. Allele origin: germline.
Comment: This sequence change creates a premature translational stop signal (p.Gly27795Glufs*76) in the TTN gene. While this is not anticipated to result in nonsense mediated decay, it is expected to create a truncated TTN protein. This variant is not present in population databases (gnomAD no frequency). This premature translational stop signal has been observed in individual(s) with dilated cardiomyopathy (Invitae). ClinVar contains an entry for this variant (Variation ID: 962477). This variant is located in the A band of TTN (PMID: 25589632). Truncating variants in this region are significantly overrepresented in patients affected with dilated cardiomyopathy (PMID: 25589632). Truncating variants in this region have also been reported in individuals affected with autosomal recessive centronuclear myopathy (PMID: 23975875). In summary, the currently available evidence indicates that the variant is pathogenic, but additional data are needed to prove that conclusively. Therefore, this variant has been classified as Likely Pathogenic.

Literature cited by the submitters: PubMed 25589632 (cited by Labcorp Genetics (formerly Invitae), Labcorp); PubMed 23975875 (cited by Labcorp Genetics (formerly Invitae), Labcorp).

NM_001267550.2(TTN):c.83384del (p.Gly27795fs)

Genes: TTN (titin; minus strand), TTN-AS1 (TTN antisense RNA 1; plus strand). Cytogenetic location: 2q31.2.
Variant type: Deletion.
Coding change: c.83384del on transcript NM_001267550.2 (MANE Select); coding-DNA position 83384, one base deleted (G; older notation c.83384delG).
Protein change: p.Gly27795fs; shifts the reading frame from glycine 27795.
Molecular consequence: frameshift variant.
Genome position (GRCh38, 1-based): chr2:178,562,748, C deleted on the plus strand (G on the coding strand, the reverse complement: TTN is on the minus strand); the first of 2 consecutive C bases (chr2:178,562,748-178,562,749); deleting either gives the same sequence. VCF-style (leftmost placement, unchanged base first): chr2-178562747-TC-T. GRCh37 (hg19) VCF-style: chr2-179427474-TC-T.
Other names: c.78461del, p.Gly26154fs (NM_001256850.1); c.56189del, p.Gly18730fs (NM_003319.4); c.75680del, p.Gly25227fs (NM_133378.4); c.56564del, p.Gly18855fs (NM_133432.3); c.56765del, p.Gly18922fs (NM_133437.4); c.83384del (NM_001267550.1); short protein forms G18730fs, G18855fs, G25227fs, G18922fs, G26154fs, G27795fs.
Identifiers: ClinVar variation 962477 (VCV000962477.11), dbSNP rs1704151765, ClinGen allele CA1139657385.